The following is an entry in ClinVar:

ClinVar aggregate classification (germline): Uncertain significance. Review status: criteria provided, multiple submitters, no conflicts (2 of 4 stars). 7 submissions from 6 submitters: Uncertain significance (7). Last evaluated 2025-01-23.

Conditions:
Nephronophthisis. Also called: Juvenile Nephronophthisis. Identifiers: Orphanet 655, MedGen C0687120, MONDO:0019005, HP:0000090.
Senior-Loken syndrome 4 (SLSN4). Identifiers: Orphanet 3156, MedGen C1846979, MONDO:0011756, OMIM 606996.
Nephronophthisis 4 (NPHP4). Also called: NEPHRONOPHTHISIS 4, JUVENILE. Identifiers: Orphanet 655, MedGen C1847013, MONDO:0011752, OMIM 606966.
Inborn genetic diseases. Identifiers: MedGen C0950123, MeSH D030342.

Allele frequency attached by ClinVar (database versions not stated): gnomAD exomes 0.00005; TOPMed 0.00007; ExAC 0.00008; ESP Exome Variant Server 0.00008; gnomAD 0.00011; 1000 Genomes Project 30x 0.00016; 1000 Genomes Project 0.00020.
gnomAD v4.1: 86 of 1,601,874 alleles (0.0054%); highest among the groups gnomAD compares: Admixed American, 0.01%; no homozygotes.

Submissions (7):

Ambry Genetics
Classification: Uncertain significance for Inborn genetic diseases. Last evaluated: 2025-01-23. Review status: criteria provided, single submitter. Criteria: Ambry Variant Classification Scheme 2023. Collection method: clinical testing. Allele origin: germline.

Labcorp Genetics (formerly Invitae), Labcorp
Classification: Uncertain significance for Nephronophthisis. Last evaluated: 2022-10-17. Review status: criteria provided, single submitter. Criteria: Invitae Variant Classification Sherloc (09022015). Collection method: clinical testing. Allele origin: germline.
Comment: This sequence change replaces alanine, which is neutral and non-polar, with valine, which is neutral and non-polar, at codon 881 of the NPHP4 protein (p.Ala881Val). The frequency data for this variant in the population databases is considered unreliable, as metrics indicate poor data quality at this position in the gnomAD database. This variant has not been reported in the literature in individuals affected with NPHP4-related conditions. ClinVar contains an entry for this variant (Variation ID: 297803). Advanced modeling of protein sequence and biophysical properties (such as structural, functional, and spatial information, amino acid conservation, physicochemical variation, residue mobility, and thermodynamic stability) performed at Invitae indicates that this missense variant is not expected to disrupt NPHP4 protein function. In summary, the available evidence is currently insufficient to determine the role of this variant in disease. Therefore, it has been classified as a Variant of Uncertain Significance.

Fulgent Genetics
Classification: Uncertain significance for Nephronophthisis 4; Senior-Loken syndrome 4. Last evaluated: 2022-02-03. Review status: criteria provided, single submitter. Criteria: ACMG Guidelines, 2015. Collection method: clinical testing. Allele origin: unknown.

Illumina Laboratory Services, Illumina
Classification: Uncertain significance for Senior-Loken syndrome 4. Last evaluated: 2018-01-13. Review status: criteria provided, single submitter. Criteria: ICSL Variant Classification Criteria 13 December 2019. Collection method: clinical testing. Allele origin: germline.

Illumina Laboratory Services, Illumina
Classification: Uncertain significance for Nephronophthisis 4. Last evaluated: 2018-01-13. Review status: criteria provided, single submitter. Criteria: ICSL Variant Classification Criteria 13 December 2019. Collection method: clinical testing. Allele origin: germline.

Eurofins Ntd Llc (ga)
Classification: Uncertain significance. Last evaluated: 2017-10-20. Review status: criteria provided, single submitter. Criteria: EGL Classification Definitions 2015. Collection method: clinical testing. Allele origin: germline. Observed: 1 variant allele, 1 heterozygote.

Breakthrough Genomics
Classification: Uncertain significance. Review status: criteria provided, single submitter. Criteria: ACMG Guidelines, 2015. Collection method: not provided. Allele origin: germline. Inheritance: Autosomal recessive inheritance. Affected: yes.

NM_015102.5(NPHP4):c.2642C>T (p.Ala881Val)

Gene: NPHP4 (nephrocystin 4; minus strand). Cytogenetic location: 1p36.31.
Variant type: single nucleotide variant.
Coding change: c.2642C>T on transcript NM_015102.5 (MANE Select); coding-DNA position 2642, C replaced by T.
Protein change: p.Ala881Val; replaces alanine 881 with valine.
Molecular consequence: missense variant. On other transcripts: non-coding transcript variant (1).
Genome position (GRCh38, 1-based): chr1:5,877,268, G>A on the plus strand (C>T on the coding strand, the complement: NPHP4 is on the minus strand). VCF-style: chr1-5877268-G-A. GRCh37 (hg19) VCF-style: chr1-5937328-G-A.
Other names: c.1103C>T, p.Ala368Val (NM_001291593.2); c.1106C>T, p.Ala369Val (NM_001291594.2); short protein forms A881V, A369V, A368V.
Identifiers: ClinVar variation 297803 (VCV000297803.16), dbSNP rs369335626, ClinGen allele CA553981.
Genomic context (GRCh38, chr1:5,877,268, plus strand): 5'-GGCCCCTTGCCCTGCCGGGCATGGGTCAGTAGCATGGCAGCCAGCTCACTGTCCACGTCC[G>A]CCAGCTTCTGTGCTTGCACCACGTGTTTTCCTGCGAAAGGGTCAGAGCGCGAGTCAGGTA-3'
Protein context (NP_055917.1, residues 871-891): RKHVVQAQKL[Ala881Val]DVDSELAAML